The following is an entry in ClinVar:

NM_000368.5(TSC1):c.3482A>G (p.His1161Arg)

Gene: TSC1 (TSC complex subunit 1; minus strand). Cytogenetic location: 9q34.13.
Variant type: single nucleotide variant.
Coding change: c.3482A>G on transcript NM_000368.5 (MANE Select); coding-DNA position 3482, A replaced by G.
Protein change: p.His1161Arg; replaces histidine 1161 with arginine.
Molecular consequence: missense variant.
Genome position (GRCh38, 1-based): chr9:132,896,248, T>C on the plus strand (A>G on the coding strand, the complement: TSC1 is on the minus strand). VCF-style: chr9-132896248-T-C. GRCh37 (hg19) VCF-style: chr9-135771635-T-C.
Other names: c.3479A>G, p.His1160Arg (NM_001162426.2); c.3329A>G, p.His1110Arg (NM_001162427.2); c.3119A>G, p.His1040Arg (NM_001362177.2); short protein forms H1161R, H1110R, H1040R, H1160R.
Identifiers: ClinVar variation 575742 (VCV000575742.13), dbSNP rs1564469371, ClinGen allele CA375366273.

ClinVar aggregate classification (germline): Uncertain significance. Review status: criteria provided, multiple submitters, no conflicts (2 of 4 stars). 3 submissions from 3 submitters: Uncertain significance (3). Last evaluated 2025-07-25.

Conditions:
Hereditary cancer-predisposing syndrome. Also called: Hereditary neoplastic syndrome; Tumor predisposition; Hereditary Cancer Syndrome; Neoplastic Syndromes, Hereditary. Identifiers: Orphanet 140162, MedGen C0027672, MeSH D009386, MONDO:0015356.
Tuberous sclerosis syndrome (TSC). Also called: Tuberous Sclerosis Complex; Tuberous sclerosis. Identifiers: Orphanet 805, MedGen C0041341, MONDO:0001734.
Tuberous sclerosis 1 (TSC1). Identifiers: Orphanet 805, MedGen C1854465, MONDO:0008612, OMIM 191100.

Submissions (3):

Color Diagnostics, LLC DBA Color Health
Classification: Uncertain significance for Tuberous sclerosis syndrome. Last evaluated: 2025-07-25. Review status: criteria provided, single submitter. Criteria: ACMG Guidelines, 2015. Collection method: clinical testing. Allele origin: germline.
Comment: This missense variant replaces histidine with arginine at codon 1161 of the TSC1 protein. Computational prediction suggests that this variant may not impact protein structure and function. To our knowledge, functional studies have not been reported for this variant. This variant has not been reported in individuals affected with TSC1-related disorders in the literature. This variant has not been identified in the general population by the Genome Aggregation Database (gnomAD). The available evidence is insufficient to determine the role of this variant in disease conclusively. Therefore, this variant is classified as a Variant of Uncertain Significance.

Labcorp Genetics (formerly Invitae), Labcorp
Classification: Uncertain significance for Tuberous sclerosis 1. Last evaluated: 2023-10-06. Review status: criteria provided, single submitter. Criteria: Invitae Variant Classification Sherloc (09022015). Collection method: clinical testing. Allele origin: germline.
Comment: This sequence change replaces histidine, which is basic and polar, with arginine, which is basic and polar, at codon 1161 of the TSC1 protein (p.His1161Arg). This variant is not present in population databases (gnomAD no frequency). This variant has not been reported in the literature in individuals affected with TSC1-related conditions. ClinVar contains an entry for this variant (Variation ID: 575742). An algorithm developed to predict the effect of missense changes on protein structure and function (PolyPhen-2) suggests that this variant is likely to be tolerated. In summary, the available evidence is currently insufficient to determine the role of this variant in disease. Therefore, it has been classified as a Variant of Uncertain Significance.

Ambry Genetics
Classification: Uncertain significance for Hereditary cancer-predisposing syndrome. Last evaluated: 2021-03-17. Review status: criteria provided, single submitter. Criteria: Ambry Variant Classification Scheme 2023. Collection method: clinical testing. Allele origin: germline.
Comment: The p.H1161R variant (also known as c.3482A>G), located in coding exon 21 of the TSC1 gene, results from an A to G substitution at nucleotide position 3482. The histidine at codon 1161 is replaced by arginine, an amino acid with highly similar properties. This amino acid position is not well conserved in available vertebrate species. In addition, this alteration is predicted to be tolerated by in silico analysis. Since supporting evidence is limited at this time, the clinical significance of this alteration remains unclear.